The following is an entry in ClinVar:

ClinVar aggregate classification (germline): Uncertain significance (1 of 4 stars; one submission).

gnomAD v4.1: 1 of 1,614,054 alleles (0.000062%); highest among the groups gnomAD compares: Non-Finnish European, 0.000085%; no homozygotes.

Submission:

Labcorp Genetics (formerly Invitae), Labcorp
Classification: Uncertain significance. Last evaluated: 2025-04-29. Review status: criteria provided, single submitter. Criteria: Invitae Variant Classification Sherloc (09022015). Collection method: clinical testing. Allele origin: germline.
Comment: This sequence change replaces tyrosine, which is neutral and polar, with phenylalanine, which is neutral and non-polar, at codon 2486 of the FAT2 protein (p.Tyr2486Phe). This variant is not present in population databases (gnomAD no frequency). This variant has not been reported in the literature in individuals affected with FAT2-related conditions. Invitae Evidence Modeling of protein sequence and biophysical properties (such as structural, functional, and spatial information, amino acid conservation, physicochemical variation, residue mobility, and thermodynamic stability) has been performed for this missense variant. However, the output from this modeling did not meet the statistical confidence thresholds required to predict the impact of this variant on FAT2 protein function. In summary, the available evidence is currently insufficient to determine the role of this variant in disease. Therefore, it has been classified as a Variant of Uncertain Significance.

NM_001447.3(FAT2):c.7457A>T (p.Tyr2486Phe)

Genes: FAT2 (FAT atypical cadherin 2; minus strand), SLC36A1 (solute carrier family 36 member 1; plus strand). Cytogenetic location: 5q33.1.
Variant type: single nucleotide variant.
Coding change: c.7457A>T on transcript NM_001447.3 (MANE Select); coding-DNA position 7457, A replaced by T.
Protein change: p.Tyr2486Phe; replaces tyrosine 2486 with phenylalanine.
Molecular consequence: missense variant.
Genome position (GRCh38, 1-based): chr5:151,543,670, T>A on the plus strand (A>T on the coding strand, the complement: FAT2 is on the minus strand). VCF-style: chr5-151543670-T-A. GRCh37 (hg19) VCF-style: chr5-150923231-T-A.
Other names: short protein forms Y2486F.
Identifiers: ClinVar variation 4782103 (VCV004782103.1).